The following is an entry in ClinVar:

ClinVar aggregate classification (germline): Uncertain significance. Review status: criteria provided, multiple submitters, no conflicts (2 of 4 stars). 4 submissions from 4 submitters: Uncertain significance (4). Last evaluated 2025-03-10.

Conditions:
OTOA-related disorder. Also called: OTOA-related condition.
Inborn genetic diseases. Identifiers: MedGen C0950123, MeSH D030342.

gnomAD v4.1: 26 of 1,611,660 alleles (0.0016%); highest among the groups gnomAD compares: South Asian, 0.023%; no homozygotes.

Submissions (4):

PreventionGenetics, part of Exact Sciences
Classification: Uncertain significance for OTOA-related condition. Last evaluated: 2025-03-10. Review status: criteria provided, single submitter. Criteria: ACMG Guidelines, 2015. Collection method: clinical testing. Allele origin: germline.
Comment: The OTOA c.274G>T variant is predicted to result in the amino acid substitution p.Val92Leu. To our knowledge, this variant has not been reported in the literature. This variant is reported in 0.023% of alleles in individuals of South Asian descent in gnomAD. At this time, the clinical significance of this variant is uncertain due to the absence of conclusive functional and genetic evidence.

GeneDx
Classification: Uncertain significance. Last evaluated: 2024-12-11. Review status: criteria provided, single submitter. Criteria: GeneDx Variant Classification Process June 2021. Collection method: clinical testing. Allele origin: germline. Affected: yes.
Comment: In silico analysis indicates that this missense variant does not alter protein structure/function; Has not been previously published as pathogenic or benign to our knowledge

Ambry Genetics
Classification: Uncertain significance for Inborn genetic diseases. Last evaluated: 2024-04-22. Review status: criteria provided, single submitter. Criteria: Ambry Variant Classification Scheme 2023. Collection method: clinical testing. Allele origin: germline.

Blueprint Genetics
Classification: Uncertain significance. Last evaluated: 2023-02-01. Review status: criteria provided, single submitter. Criteria: ACMG Guidelines, 2015. Collection method: clinical testing. Allele origin: germline.

NM_144672.4(OTOA):c.274G>T (p.Val92Leu)

Gene: OTOA (otoancorin). Cytogenetic location: 16p12.2.
Variant type: single nucleotide variant.
Coding change: c.274G>T on transcript NM_144672.4 (MANE Select); coding-DNA position 274, G replaced by T.
Protein change: p.Val92Leu; replaces valine 92 with leucine.
Molecular consequence: missense variant.
Genome position (GRCh38, 1-based): chr16:21,685,236, G>T. VCF-style: chr16-21685236-G-T. GRCh37 (hg19) VCF-style: chr16-21696557-G-T.
Other names: c.37G>T, p.Val13Leu (NM_001161683.2); short protein forms V13L, V92L.
Identifiers: ClinVar variation 3303631 (VCV003303631.4).